The following is an entry in ClinVar:

ClinVar aggregate classification (germline): Uncertain significance (1 of 4 stars; one submission).

Conditions:
Inborn genetic diseases. Identifiers: MedGen C0950123, MeSH D030342.

Allele frequency attached by ClinVar (database versions not stated): gnomAD exomes below 0.00001.
gnomAD v4.1: 2 of 1,612,682 alleles (0.00012%); highest among the groups gnomAD compares: Non-Finnish European, 0.00017%; no homozygotes.

Submission:

Ambry Genetics
Classification: Uncertain significance for Inborn genetic diseases. Last evaluated: 2022-09-02. Review status: criteria provided, single submitter. Criteria: Ambry Variant Classification Scheme 2023. Collection method: clinical testing. Allele origin: germline.
Comment: The c.511C>T (p.R171C) alteration is located in exon 3 (coding exon 3) of the COL4A3BP gene. This alteration results from a C to T substitution at nucleotide position 511, causing the arginine (R) at amino acid position 171 to be replaced by a cysteine (C). This variant was not reported in population-based cohorts in the Genome Aggregation Database (gnomAD). This amino acid position is highly conserved in available vertebrate species. The in silico prediction for this alteration is inconclusive. Based on insufficient or conflicting evidence, the clinical significance of this alteration remains unclear.

NM_001379029.1(CERT1):c.127C>T (p.Arg43Cys)

Gene: CERT1 (ceramide transporter 1; minus strand). Cytogenetic location: 5q13.3.
Variant type: single nucleotide variant.
Coding change: c.127C>T on transcript NM_001379029.1 (MANE Select); coding-DNA position 127, C replaced by T.
Protein change: p.Arg43Cys; replaces arginine 43 with cysteine.
Molecular consequence: missense variant.
Genome position (GRCh38, 1-based): chr5:75,506,086, G>A on the plus strand (C>T on the coding strand, the complement: CERT1 is on the minus strand). VCF-style: chr5-75506086-G-A. GRCh37 (hg19) VCF-style: chr5-74801911-G-A.
Other names: c.511C>T, p.Arg171Cys (NM_001130105.1); c.127C>T, p.Arg43Cys (NM_001379002.1, NM_001379003.1, NM_001379004.1 and 2 more transcripts); short protein forms R171C, R43C.
Identifiers: ClinVar variation 3143211 (VCV003143211.1), dbSNP rs2479403372, ClinGen allele CA360139013.